The following is an entry in ClinVar:

NM_014679.5(CEP57):c.841C>T (p.His281Tyr)

Gene: CEP57 (centrosomal protein 57; plus strand). Cytogenetic location: 11q21.
Variant type: single nucleotide variant.
Coding change: c.841C>T on transcript NM_014679.5 (MANE Select); coding-DNA position 841, C replaced by T.
Protein change: p.His281Tyr; replaces histidine 281 with tyrosine.
Molecular consequence: missense variant. On other transcripts: intron variant (1).
Genome position (GRCh38, 1-based): chr11:95,822,532, C>T. VCF-style: chr11-95822532-C-T. GRCh37 (hg19) VCF-style: chr11-95555696-C-T.
Other names: c.814C>T, p.His272Tyr (NM_001243776.2); c.760C>T, p.His254Tyr (NM_001363604.2); c.807+554C>T (NM_001243777.2); short protein forms H254Y, H272Y, H281Y.
Identifiers: ClinVar variation 943782 (VCV000943782.9), dbSNP rs1862559486, ClinGen allele CA382405692.

ClinVar aggregate classification (germline): Uncertain significance (1 of 4 stars; one submission).

Conditions:
Mosaic variegated aneuploidy syndrome 2 (MVA2). Identifiers: Orphanet 1052, MedGen C3279843, MONDO:0013582, OMIM 614114.

Submission:

Labcorp Genetics (formerly Invitae), Labcorp
Classification: Uncertain significance for Mosaic variegated aneuploidy syndrome 2. Last evaluated: 2019-09-13. Review status: criteria provided, single submitter. Criteria: Invitae Variant Classification Sherloc (09022015). Collection method: clinical testing. Allele origin: germline.
Comment: This sequence change replaces histidine with tyrosine at codon 281 of the CEP57 protein (p.His281Tyr). The histidine residue is highly conserved and there is a moderate physicochemical difference between histidine and tyrosine. This variant is not present in population databases (ExAC no frequency). This variant has not been reported in the literature in individuals with CEP57-related conditions. Algorithms developed to predict the effect of missense changes on protein structure and function (SIFT, PolyPhen-2, Align-GVGD) all suggest that this variant is likely to be disruptive, but these predictions have not been confirmed by published functional studies and their clinical significance is uncertain. In summary, the available evidence is currently insufficient to determine the role of this variant in disease. Therefore, it has been classified as a Variant of Uncertain Significance.